The following is an entry in ClinVar:

NM_152911.4(PAOX):c.1360C>G (p.Gln454Glu)

Gene: PAOX (polyamine oxidase; plus strand). Cytogenetic location: 10q26.3.
Variant type: single nucleotide variant.
Coding change: c.1360C>G on transcript NM_152911.4 (MANE Select); coding-DNA position 1360, C replaced by G.
Protein change: p.Gln454Glu; replaces glutamine 454 with glutamic acid.
Molecular consequence: missense variant. On other transcripts: non-coding transcript variant (3), intron variant (2).
Genome position (GRCh38, 1-based): chr10:133,389,715, C>G. VCF-style: chr10-133389715-C-G. GRCh37 (hg19) VCF-style: chr10-135203219-C-G.
Other names: c.1234+647C>G (NM_207128.3); c.*3+647C>G (NM_207127.3); short protein forms Q454E.
Identifiers: ClinVar variation 2429013 (VCV002429013.4), dbSNP rs1178874946, ClinGen allele CA378834387.

ClinVar aggregate classification (germline): Uncertain significance (1 of 4 stars; one submission).

Submission:

Greenwood Genetic Center Diagnostic Laboratories, Greenwood Genetic Center
Classification: Uncertain significance. Last evaluated: 2022-11-30. Review status: criteria provided, single submitter. Criteria: ACMG Guidelines, 2015. Collection method: clinical testing. Allele origin: germline. Affected: yes.
Comment: Gene of Uncertain Significance